The following is an entry in ClinVar:

ClinVar aggregate classification (germline): Uncertain significance (1 of 4 stars; one submission).

Conditions:
Hereditary cancer-predisposing syndrome. Also called: Neoplastic Syndromes, Hereditary; Tumor predisposition; Hereditary Cancer Syndrome; Hereditary neoplastic syndrome. Identifiers: Orphanet 140162, MedGen C0027672, MeSH D009386, MONDO:0015356.

Submission:

Ambry Genetics
Classification: Uncertain significance for Hereditary cancer-predisposing syndrome. Last evaluated: 2024-08-27. Review status: criteria provided, single submitter. Criteria: Ambry Variant Classification Scheme 2023. Collection method: clinical testing. Allele origin: germline.
Comment: The p.G1443R variant (also known as c.4327G>C), located in coding exon 23 of the PTCH1 gene, results from a G to C substitution at nucleotide position 4327. The glycine at codon 1443 is replaced by arginine, an amino acid with dissimilar properties. This amino acid position is conserved. In addition, this alteration is predicted to be tolerated by in silico analysis. Based on the available evidence, the clinical significance of this variant remains unclear.

NM_000264.5(PTCH1):c.4327G>C (p.Gly1443Arg)

Gene: PTCH1 (patched 1; minus strand). Cytogenetic location: 9q22.32.
Variant type: single nucleotide variant.
Coding change: c.4327G>C on transcript NM_000264.5 (MANE Select); coding-DNA position 4327, G replaced by C.
Protein change: p.Gly1443Arg; replaces glycine 1443 with arginine.
Molecular consequence: missense variant. On other transcripts: non-coding transcript variant (1).
Genome position (GRCh38, 1-based): chr9:95,446,929, C>G on the plus strand (G>C on the coding strand, the complement: PTCH1 is on the minus strand). VCF-style: chr9-95446929-C-G. GRCh37 (hg19) VCF-style: chr9-98209211-C-G.
Other names: c.4129G>C, p.Gly1377Arg (NM_001083602.3); c.4324G>C, p.Gly1442Arg (NM_001083603.3); c.3874G>C, p.Gly1292Arg (NM_001083604.3, NM_001083605.3, NM_001083606.3 and 1 more transcripts); c.4171G>C, p.Gly1391Arg (NM_001354918.2); short protein forms G1377R, G1443R, G1391R, G1442R, G1292R.
Identifiers: ClinVar variation 3427271 (VCV003427271.1).